The following is an entry in ClinVar:

ClinVar aggregate classification (germline): Pathogenic (1 of 4 stars; one submission).

Conditions:
SLC26A2-related skeletal dysplasia. Identifiers: MedGen CN379209, MONDO:0100592.

Submission:

Myriad Genetics, Inc.
Classification: Pathogenic for SLC26A2-related skeletal dysplasia. Last evaluated: 2026-07-02. Review status: criteria provided, single submitter. Criteria: Myriad Autosomal Dominant, Autosomal Recessive and X-Linked Classification Criteria (2023). Collection method: clinical testing. Allele origin: unknown.
Comment: NM_000112.3(SLC26A2):c.398dupC(G134Wfs*41) is a frameshift variant classified as pathogenic in the context of SLC26A2-related disorders. G134Wfs*41 has not been observed in cases with relevant disease. Relevant functional assessments of this variant are not available in the literature. G134Wfs*41 has not been observed in referenced population frequency databases. In summary, NM_000112.3(SLC26A2):c.398dupC(G134Wfs*41) is a frameshift variant in a gene where loss of function is a known mechanism of disease and is predicted to disrupt protein function. Please note: this variant was assessed in the context of healthy population screening.

NM_000112.4(SLC26A2):c.398dup (p.Gly134fs)

Gene: SLC26A2 (solute carrier family 26 member 2; plus strand). Cytogenetic location: 5q32.
Variant type: Duplication.
Coding change: c.398dup on transcript NM_000112.4 (MANE Select); coding-DNA position 398, one base duplicated (C; older notation c.398dupC).
Protein change: p.Gly134fs; shifts the reading frame from glycine 134.
Molecular consequence: frameshift variant.
Genome position (GRCh38, 1-based): chr5:149,978,050, C duplicated. VCF-style (leftmost placement, unchanged base first): chr5-149978049-G-GC. GRCh37 (hg19) VCF-style: chr5-149357612-G-GC.
Other names: short protein forms G134fs.
Identifiers: ClinVar variation 5004769 (VCV005004769.1).